The following is an entry in ClinVar:

NM_080822.3(OVCA2):c.108C>T (p.Arg36=)

Genes: DPH1 (diphthamide biosynthesis 1; plus strand), OVCA2 (OVCA2 serine hydrolase domain containing; plus strand), LOC130059903 (ATAC-STARR-seq lymphoblastoid silent region 7968; plus strand). Cytogenetic location: 17p13.3.
Variant type: single nucleotide variant.
Coding change: c.108C>T on transcript NM_080822.3 (MANE Select); coding-DNA position 108, C replaced by T.
Protein change: p.Arg36=; no amino-acid change (arginine 36 retained).
Molecular consequence: synonymous variant. On other transcripts: intron variant (4).
Genome position (GRCh38, 1-based): chr17:2,042,155, C>T. VCF-style: chr17-2042155-C-T. GRCh37 (hg19) VCF-style: chr17-1945449-C-T.
Other names: c.*18+280C>T (NM_001346574.1, NM_001346575.1, NM_001383.6 and 1 more transcripts).
Identifiers: ClinVar variation 5039278 (VCV005039278.1).

ClinVar aggregate classification (germline): Likely benign (1 of 4 stars; one submission).

gnomAD v4.1: 120 of 1,503,982 alleles (0.008%); highest among the groups gnomAD compares: South Asian, 0.13%; no homozygotes.

Submission:

CeGaT Center for Human Genetics Tuebingen
Classification: Likely benign. Last evaluated: 2026-06-01. Review status: criteria provided, single submitter. Criteria: CeGaT Center For Human Genetics Tuebingen Variant Classification Criteria Version 2. Collection method: clinical testing. Allele origin: germline. Affected: yes. Observed: 1 variant allele.
Comment: OVCA2: BP4, BP7